The following is an entry in ClinVar:

ClinVar aggregate classification (germline): Uncertain significance (1 of 4 stars; one submission).

Conditions:
Hereditary cancer-predisposing syndrome. Also called: Neoplastic Syndromes, Hereditary; Tumor predisposition; Hereditary Cancer Syndrome; Hereditary neoplastic syndrome. Identifiers: Orphanet 140162, MedGen C0027672, MeSH D009386, MONDO:0015356.

Submission:

Ambry Genetics
Classification: Uncertain significance for Hereditary cancer-predisposing syndrome. Last evaluated: 2024-08-22. Review status: criteria provided, single submitter. Criteria: Ambry Variant Classification Scheme 2023. Collection method: clinical testing. Allele origin: germline.
Comment: The p.F149S variant (also known as c.446T>C), located in coding exon 3 of the RET gene, results from a T to C substitution at nucleotide position 446. The phenylalanine at codon 149 is replaced by serine, an amino acid with highly dissimilar properties. This amino acid position is conserved. In addition, the in silico prediction for this alteration is inconclusive. Based on the available evidence, the clinical significance of this variant remains unclear.

NM_020975.6(RET):c.446T>C (p.Phe149Ser)

Gene: RET (ret proto-oncogene; plus strand). Cytogenetic location: 10q11.21.
Variant type: single nucleotide variant.
Coding change: c.446T>C on transcript NM_020975.6 (MANE Select); coding-DNA position 446, T replaced by C.
Protein change: p.Phe149Ser; replaces phenylalanine 149 with serine.
Molecular consequence: missense variant. On other transcripts: intron variant (22).
Genome position (GRCh38, 1-based): chr10:43,102,450, T>C. VCF-style: chr10-43102450-T-C. GRCh37 (hg19) VCF-style: chr10-43597898-T-C.
Other names: c.446T>C, p.Phe149Ser (NM_001406769.1, NM_001406771.1, NM_001406772.1 and 14 more transcripts); c.338-21T>C (NM_001406764.1, NM_001406762.1, NM_001406761.1 and 4 more transcripts); c.337+1728T>C (NM_001406770.1, NM_001406766.1, NM_001406767.1 and 8 more transcripts); c.74-6581T>C (NM_001406784.1); c.74-9649T>C (NM_001406794.1, NM_001406792.1, NM_001406793.1); short protein forms F149S.
Identifiers: ClinVar variation 3432247 (VCV003432247.1).
Genomic context (GRCh38, chr10:43,102,450, plus strand): 5'-CCACATCCCTTCGTGAGGGCGAGTGCCAGTGGCCAGGCTGTGCCCGCGTATACTTCTCCT[T>C]CTTCAACACCTCCTTTCCAGCCTGCAGCTCCCTCAAGCCCCGGGAGCTCTGCTTCCCAGA-3'
Protein context (NP_066124.1, residues 139-159): WPGCARVYFS[Phe149Ser]FNTSFPACSS